The following is an entry in ClinVar:

NM_000531.6(OTC):c.167T>C (p.Met56Thr)

Gene: OTC (ornithine transcarbamylase; plus strand). Cytogenetic location: Xp11.4.
Variant type: single nucleotide variant.
Coding change: c.167T>C on transcript NM_000531.6 (MANE Select); coding-DNA position 167, T replaced by C.
Protein change: p.Met56Thr; replaces methionine 56 with threonine.
Molecular consequence: missense variant.
Genome position (GRCh38, 1-based): chrX:38,367,380, T>C. VCF-style: chrX-38367380-T-C. GRCh37 (hg19) VCF-style: chrX-38226633-T-C.
Other names: short protein forms M56T.
Identifiers: ClinVar variation 97125 (VCV000097125.9), dbSNP rs72554320, ClinGen allele CA224487.

ClinVar aggregate classification (germline): Likely pathogenic. Review status: criteria provided, single submitter (1 of 4 stars). 2 submissions from 2 submitters: Likely pathogenic (1). 1 of the submissions does not count toward it. Last evaluated 2017-02-02.

Submissions (2):

ARUP Laboratories, Molecular Genetics and Genomics, ARUP Laboratories
Classification: Likely pathogenic. Last evaluated: 2017-02-02. Review status: criteria provided, single submitter. Criteria: ARUP Molecular Germline Variant Investigation Process. Collection method: clinical testing. Allele origin: germline.

GenMed Metabolism Lab
Classification: Pathogenic. Review status: no assertion criteria provided. Collection method: not provided. Allele origin: unknown. Not counted in ClinVar's aggregate classification.
Comment: p.Met56Thr, Late
ClinVar note: Converted during submission from pathogenic to Pathogenic.